The following is an entry in ClinVar:

NM_000059.4(BRCA2):c.3939_3943del (p.Tyr1313_Arg1315delinsTer)

Gene: BRCA2 (BRCA2 DNA repair associated; plus strand). Cytogenetic location: 13q13.1.
Variant type: Deletion.
Coding change: c.3939_3943del on transcript NM_000059.4 (MANE Select); coding-DNA positions 3939 to 3943, 5 bases deleted (CAAGA; older notation c.3939_3943delCAAGA).
Protein change: p.Tyr1313_Arg1315delinsTer.
Molecular consequence: nonsense.
Genome position (GRCh38, 1-based): chr13:32,338,294-32,338,298, CAAGA deleted; deleting any 5 consecutive bases within chr13:32,338,293-32,338,298 gives the same sequence; the c. name uses the placement nearest the transcript's 3' end. VCF-style (leftmost placement, unchanged base first): chr13-32338292-TACAAG-T. GRCh37 (hg19) VCF-style: chr13-32912429-TACAAG-T.
Identifiers: ClinVar variation 1339712 (VCV001339712.1), dbSNP rs2137501409, ClinGen allele CA2573053808.

ClinVar aggregate classification (germline): Pathogenic (1 of 4 stars; one submission).

Conditions:
Hereditary breast ovarian cancer syndrome. Also called: Hereditary breast and ovarian cancer syndrome; Hereditary breast and ovarian cancer; Breast and ovarian cancer; Hereditary breast and/or ovarian cancer syndrome; Hereditary breast and ovarian cancer syndrome (HBOC); BRCA1- and BRCA2-Associated Hereditary Breast and Ovarian Cancer. Identifiers: Orphanet 145, MedGen C0677776, MeSH D061325, MONDO:0003582. Disease mechanism: loss of function.

Submission:

Women's Health and Genetics/Laboratory Corporation of America, LabCorp
Classification: Pathogenic for Hereditary breast ovarian cancer syndrome. Last evaluated: 2022-01-03. Review status: criteria provided, single submitter. Criteria: LabCorp Variant Classification Summary - May 2015. Collection method: clinical testing. Allele origin: germline.
Comment: Variant summary: BRCA2 c.3939_3943delCAAGA (p.Tyr1313X) results in a premature termination codon, predicted to cause a truncation of the encoded protein or absence of the protein due to nonsense mediated decay, which are commonly known mechanisms for disease. Truncations downstream of this position have been classified as pathogenic by our laboratory. The variant was absent in 221692 control chromosomes (gnomAD). To our knowledge, no occurrence of c.3939_3943delCAAGA in individuals affected with Hereditary Breast and Ovarian Cancer Syndrome and no experimental evidence demonstrating its impact on protein function have been reported. No ClinVar submitters have assessed this variant, however several different variants resulting in the same protein level change have been reviewed by an expert panel (ENIGMA), and are classified as pathogenic. Based on the evidence outlined above, the variant was classified as pathogenic.